The following is an entry in ClinVar:

NM_001040108.2(MLH3):c.3646G>A (p.Gly1216Arg)

Gene: MLH3 (mutL homolog 3; minus strand). Cytogenetic location: 14q24.3.
Variant type: single nucleotide variant.
Coding change: c.3646G>A on transcript NM_001040108.2 (MANE Select); coding-DNA position 3646, G replaced by A.
Protein change: p.Gly1216Arg; replaces glycine 1216 with arginine.
Molecular consequence: missense variant. On other transcripts: intron variant (1).
Genome position (GRCh38, 1-based): chr14:75,033,488, C>T on the plus strand (G>A on the coding strand, the complement: MLH3 is on the minus strand). VCF-style: chr14-75033488-C-T. GRCh37 (hg19) VCF-style: chr14-75500191-C-T.
Other names: c.3644-1309G>A (NM_014381.3); short protein forms G1216R.
Identifiers: ClinVar variation 2497072 (VCV002497072.3), dbSNP rs2503142625, ClinGen allele CA390425514.

ClinVar aggregate classification (germline): Uncertain significance (1 of 4 stars; one submission).

Submission:

Ambry Genetics
Classification: Uncertain significance. Last evaluated: 2025-06-10. Review status: criteria provided, single submitter. Criteria: Ambry Variant Classification Scheme 2023. Collection method: clinical testing. Allele origin: germline.
Comment: The p.G1216R variant (also known as c.3646G>A), located in coding exon 6 of the MLH3 gene, results from a G to A substitution at nucleotide position 3646. The glycine at codon 1216 is replaced by arginine, an amino acid with dissimilar properties. This amino acid position is conserved. In addition, the in silico prediction for this alteration is inconclusive. Since supporting evidence is limited at this time, the clinical significance of this alteration remains unclear.